The following is an entry in ClinVar:

NM_013262.4(MYLIP):c.577C>T (p.Arg193Trp)

Gene: MYLIP (myosin regulatory light chain interacting protein; plus strand). Cytogenetic location: 6p22.3.
Variant type: single nucleotide variant.
Coding change: c.577C>T on transcript NM_013262.4 (MANE Select); coding-DNA position 577, C replaced by T.
Protein change: p.Arg193Trp; replaces arginine 193 with tryptophan.
Molecular consequence: missense variant.
Genome position (GRCh38, 1-based): chr6:16,143,132, C>T. VCF-style: chr6-16143132-C-T. GRCh37 (hg19) VCF-style: chr6-16143363-C-T.
Other names: c.577C>T (NM_013262.3); short protein forms R193W.
Identifiers: ClinVar variation 1357496 (VCV001357496.7), dbSNP rs201953912, ClinGen allele CA3644517.

ClinVar aggregate classification (germline): Uncertain significance. Review status: criteria provided, multiple submitters, no conflicts (2 of 4 stars). 2 submissions from 2 submitters: Uncertain significance (2). Last evaluated 2024-03-27.

Allele frequency attached by ClinVar (database versions not stated): gnomAD 0.00006; gnomAD exomes 0.00008; ExAC 0.00009; TOPMed 0.00011; ESP Exome Variant Server 0.00015.

Submissions (2):

Ambry Genetics
Classification: Uncertain significance. Last evaluated: 2024-03-27. Review status: criteria provided, single submitter. Criteria: Ambry Variant Classification Scheme 2023. Collection method: clinical testing. Allele origin: germline.
Comment: Does not currently meet published gene-disease clinical validity criteria Based on insufficient or conflicting evidence, the clinical significance of this alteration remains unclear.

Labcorp Genetics (formerly Invitae), Labcorp
Classification: Uncertain significance. Last evaluated: 2024-02-24. Review status: criteria provided, single submitter. Criteria: Invitae Variant Classification Sherloc (09022015). Collection method: clinical testing. Allele origin: germline.
Comment: This sequence change replaces arginine, which is basic and polar, with tryptophan, which is neutral and slightly polar, at codon 193 of the MYLIP protein (p.Arg193Trp). This variant is present in population databases (rs201953912, gnomAD 0.02%). This missense change has been observed in individual(s) with dyslipidemia (PMID: 32041611). ClinVar contains an entry for this variant (Variation ID: 1357496). An algorithm developed to predict the effect of missense changes on protein structure and function (PolyPhen-2) suggests that this variant is likely to be disruptive. In summary, the available evidence is currently insufficient to determine the role of this variant in disease. Therefore, it has been classified as a Variant of Uncertain Significance.

Literature cited by the submitters: PubMed 28106320 (cited by Ambry Genetics); PubMed 32041611 (cited by Labcorp Genetics (formerly Invitae), Labcorp).